The following is an entry in ClinVar:

NM_014795.4(ZEB2):c.73+6A>C

Gene: ZEB2 (zinc finger E-box binding homeobox 2; minus strand). Cytogenetic location: 2q22.3.
Variant type: single nucleotide variant.
Coding change: c.73+6A>C on transcript NM_014795.4 (MANE Select); 6 bases into the intron after coding-DNA position 73, A replaced by C.
Molecular consequence: intron variant.
Genome position (GRCh38, 1-based): chr2:144,517,272, T>G on the plus strand (A>C on the coding strand, the complement: ZEB2 is on the minus strand). VCF-style: chr2-144517272-T-G. GRCh37 (hg19) VCF-style: chr2-145274839-T-G.
Other names: c.73+6A>C (NM_001171653.2).
Identifiers: ClinVar variation 387907 (VCV000387907.21), dbSNP rs756924190, ClinGen allele CA1898715.

ClinVar aggregate classification (germline): Benign/Likely benign. Review status: criteria provided, multiple submitters, no conflicts (2 of 4 stars). 4 submissions from 4 submitters: Benign (3); Likely benign (1). Last evaluated 2026-02-01.

Conditions:
Mowat-Wilson syndrome (MOWS). Also called: Classic Mowat-Wilson Syndrome. Identifiers: Orphanet 2152, MedGen C1856113, MONDO:0009341, OMIM 235730.

Allele frequency attached by ClinVar (database versions not stated): gnomAD 0.00007 and 0.00008; TOPMed 0.00009; gnomAD exomes 0.00013; ExAC 0.00014.
gnomAD v4.1: 85 of 1,613,196 alleles (0.0053%); highest among the groups gnomAD compares: East Asian, 0.029%; no homozygotes.

Submissions (4):

CeGaT Center for Human Genetics Tuebingen
Classification: Likely benign. Last evaluated: 2026-02-01. Review status: criteria provided, single submitter. Criteria: CeGaT Center For Human Genetics Tuebingen Variant Classification Criteria Version 2. Collection method: clinical testing. Allele origin: germline. Affected: yes. Observed: 2 variant alleles.
Comment: ZEB2: BP4

Labcorp Genetics (formerly Invitae), Labcorp
Classification: Benign for Mowat-Wilson syndrome. Last evaluated: 2025-12-18. Review status: criteria provided, single submitter. Criteria: Invitae Variant Classification Sherloc (09022015). Collection method: clinical testing. Allele origin: germline.

Genome-Nilou Lab
Classification: Benign for Mowat-Wilson syndrome. Last evaluated: 2021-11-07. Review status: criteria provided, single submitter. Criteria: ACMG Guidelines, 2015. Collection method: clinical testing. Allele origin: germline. Affected: no.

GeneDx
Classification: Benign. Last evaluated: 2020-03-05. Review status: criteria provided, single submitter. Criteria: GeneDx Variant Classification Process June 2021. Collection method: clinical testing. Allele origin: germline. Affected: yes.